The following is an entry in ClinVar:

ClinVar aggregate classification (germline): Uncertain significance (1 of 4 stars; one submission).

Conditions:
Cardiovascular phenotype. Identifiers: MedGen CN230736.

Submission:

Ambry Genetics
Classification: Uncertain significance for Cardiovascular phenotype. Last evaluated: 2024-01-08. Review status: criteria provided, single submitter. Criteria: Ambry Variant Classification Scheme 2023. Collection method: clinical testing. Allele origin: germline.
Comment: The p.P1089T variant (also known as c.3265C>A), located in coding exon 8 of the AKAP9 gene, results from a C to A substitution at nucleotide position 3265. The proline at codon 1089 is replaced by threonine, an amino acid with highly similar properties. This amino acid position is conserved. In addition, this alteration is predicted to be tolerated by in silico analysis. Since supporting evidence is limited at this time, the clinical significance of this alteration remains unclear.

NM_005751.5(AKAP9):c.3265C>A (p.Pro1089Thr)

Gene: AKAP9 (A-kinase anchoring protein 9; plus strand). Cytogenetic location: 7q21.2.
Variant type: single nucleotide variant.
Coding change: c.3265C>A on transcript NM_005751.5 (MANE Select); coding-DNA position 3265, C replaced by A.
Protein change: p.Pro1089Thr; replaces proline 1089 with threonine.
Molecular consequence: missense variant.
Genome position (GRCh38, 1-based): chr7:92,003,182, C>A. VCF-style: chr7-92003182-C-A. GRCh37 (hg19) VCF-style: chr7-91632496-C-A.
Other names: c.3265C>A, p.Pro1089Thr (NM_147185.3); short protein forms P1089T.
Identifiers: ClinVar variation 3225041 (VCV003225041.1), dbSNP rs1799379984, ClinGen allele CA368126685.